The following is an entry in ClinVar:

NM_000530.8(MPZ):c.736G>A (p.Asp246Asn)

Gene: MPZ (myelin protein zero; minus strand). Cytogenetic location: 1q23.3.
Variant type: single nucleotide variant.
Coding change: c.736G>A on transcript NM_000530.8 (MANE Select); coding-DNA position 736, G replaced by A.
Protein change: p.Asp246Asn; replaces aspartic acid 246 with asparagine.
Molecular consequence: missense variant.
Genome position (GRCh38, 1-based): chr1:161,305,887, C>T on the plus strand (G>A on the coding strand, the complement: MPZ is on the minus strand). VCF-style: chr1-161305887-C-T. GRCh37 (hg19) VCF-style: chr1-161275677-C-T.
Other names: c.736G>A, p.Asp246Asn (NM_001315491.2); c.736G>A (LRG_256t1); short protein forms D246N.
Identifiers: ClinVar variation 637929 (VCV000637929.2), dbSNP rs1571816993, ClinGen allele CA343343805.

ClinVar aggregate classification (germline): Uncertain significance. Review status: criteria provided, single submitter (1 of 4 stars). 2 submissions from 2 submitters: Uncertain significance (1). 1 of the submissions does not count toward it. Last evaluated 2023-06-22.

Conditions:
Charcot-Marie-Tooth disease. Also called: Charcot-Marie-Tooth Hereditary Neuropathy; Charcot-Marie-Tooth Neuropathy. Identifiers: Orphanet 166, MedGen C0007959, MONDO:0015626.
Charcot-Marie-Tooth disease type 2I (CMT2I). Also called: CHARCOT-MARIE-TOOTH DISEASE, AXONAL, TYPE 2I. Identifiers: Orphanet 99942, MedGen C3888087, MONDO:0011889, OMIM 607677.

Submissions (2):

Neuberg Centre For Genomic Medicine, NCGM
Classification: Uncertain significance for Charcot-Marie-Tooth disease type 2I. Last evaluated: 2023-06-22. Review status: criteria provided, single submitter. Criteria: ACMG Guidelines, 2015. Collection method: clinical testing. Allele origin: germline. Inheritance: Autosomal dominant inheritance. Affected: yes.
Comment: The observed missense c.736G>Ap.Asp246Asn variant in MPZ gene has been reported previously in individuals affected with Charcot-Marie-Tooth disease Brozková D, et al., 2010. The p.Asp246Asn variant is absent in gnomAD Exomes. This variant has been submitted to the ClinVar database as Uncertain Significance. Multiple lines of computational evidences Polyphen - Probably damaging, SIFT - Tolerated and MutationTaster - Disease causing predict conflicting evidence on protein structure and function for this variant. The reference amino acid change at this position on MPZ gene is predicted as conserved by GERP++ and PhyloP across 100 vertebrates. The amino acid Asp at position 246 is changed to a Asn changing protein sequence and it might alter its composition and physico-chemical properties. For these reasons, this variant has been classified as a Variant of Uncertain Significance VUS.

Inherited Neuropathy Consortium
Classification: Uncertain significance for Charcot-Marie-Tooth disease. Review status: no assertion criteria provided. Collection method: literature only. Allele origin: germline. Affected: yes. Not counted in ClinVar's aggregate classification.

Literature cited by the submitters: PubMed 20456450 (cited by Inherited Neuropathy Consortium).